The following is an entry in ClinVar:

ClinVar aggregate classification (germline): Uncertain significance. Review status: criteria provided, multiple submitters, no conflicts (2 of 4 stars). 4 submissions from 4 submitters: Uncertain significance (4). Last evaluated 2026-06-01.

Conditions:
Duchenne muscular dystrophy (DMD). Also called: Duchenne Muscular Dystrophy (DMD); MUSCULAR DYSTROPHY, PSEUDOHYPERTROPHIC PROGRESSIVE, DUCHENNE TYPE. Identifiers: Orphanet 98896, MedGen C0013264, MONDO:0010679, OMIM 310200.
Becker muscular dystrophy (BMD). Also called: Becker Muscular Dystrophy (BMD); MUSCULAR DYSTROPHY, PSEUDOHYPERTROPHIC PROGRESSIVE, BECKER TYPE. Identifiers: Orphanet 98895, MedGen C0917713, MONDO:0010311, OMIM 300376.
Dilated cardiomyopathy 3B (CMD3B). Also called: CMD3B: DMD-Related Dilated Cardiomyopathy; CARDIOMYOPATHY, DILATED, X-LINKED; DMD-Associated Dilated Cardiomyopathy. Identifiers: Orphanet 154, MedGen C3668940, MONDO:0010542, OMIM 302045.
Cardiovascular phenotype. Identifiers: MedGen CN230736.

Allele frequency attached by ClinVar (database versions not stated): gnomAD 0.00003; TOPMed 0.00003.
gnomAD v4.1: 11 of 1,209,443 alleles (0.00091%); highest among the groups gnomAD compares: African/African-American, 0.0017%; no homozygotes.

Submissions (4):

CeGaT Center for Human Genetics Tuebingen
Classification: Uncertain significance. Last evaluated: 2026-06-01. Review status: criteria provided, single submitter. Criteria: CeGaT Center For Human Genetics Tuebingen Variant Classification Criteria Version 2. Collection method: clinical testing. Allele origin: germline. Affected: yes. Observed: 1 variant allele.

Labcorp Genetics (formerly Invitae), Labcorp
Classification: Uncertain significance for Duchenne muscular dystrophy. Last evaluated: 2025-05-18. Review status: criteria provided, single submitter. Criteria: Invitae Variant Classification Sherloc (09022015). Collection method: clinical testing. Allele origin: germline.
Comment: This sequence change replaces glutamine, which is neutral and polar, with glutamic acid, which is acidic and polar, at codon 1495 of the DMD protein (p.Gln1495Glu). This variant is not present in population databases (gnomAD no frequency). This variant has not been reported in the literature in individuals affected with DMD-related conditions. ClinVar contains an entry for this variant (Variation ID: 1427027). Invitae Evidence Modeling of protein sequence and biophysical properties (such as structural, functional, and spatial information, amino acid conservation, physicochemical variation, residue mobility, and thermodynamic stability) indicates that this missense variant is not expected to disrupt DMD protein function with a negative predictive value of 95%. In summary, the available evidence is currently insufficient to determine the role of this variant in disease. Therefore, it has been classified as a Variant of Uncertain Significance.

Fulgent Genetics
Classification: Uncertain significance for Becker muscular dystrophy; Dilated cardiomyopathy 3B; Duchenne muscular dystrophy. Last evaluated: 2022-03-18. Review status: criteria provided, single submitter. Criteria: ACMG Guidelines, 2015. Collection method: clinical testing. Allele origin: unknown.

Ambry Genetics
Classification: Uncertain significance for Cardiovascular phenotype. Last evaluated: 2020-12-14. Review status: criteria provided, single submitter. Criteria: Ambry Variant Classification Scheme 2023. Collection method: clinical testing. Allele origin: germline.
Comment: The p.Q1495E variant (also known as c.4483C>G), located in coding exon 32 of the DMD gene, results from a C to G substitution at nucleotide position 4483. The glutamine at codon 1495 is replaced by glutamic acid, an amino acid with highly similar properties. Based on data from gnomAD, the E allele has an overall frequency of 0.0005% (1/183048) total alleles studied, with 1 hemizygote observed. The highest observed frequency was 0.001225% (1/81607) of European (non-Finnish) alleles. This amino acid position is highly conserved in available vertebrate species. In addition, this alteration is predicted to be tolerated by in silico analysis. Since supporting evidence is limited at this time, the clinical significance of this alteration remains unclear.

NM_004006.3(DMD):c.4483C>G (p.Gln1495Glu)

Gene: DMD (dystrophin; minus strand). Cytogenetic location: Xp21.1.
Variant type: single nucleotide variant.
Coding change: c.4483C>G on transcript NM_004006.3 (MANE Select); coding-DNA position 4483, C replaced by G.
Protein change: p.Gln1495Glu; replaces glutamine 1495 with glutamic acid.
Molecular consequence: missense variant.
Genome position (GRCh38, 1-based): chrX:32,389,536, G>C on the plus strand (C>G on the coding strand, the complement: DMD is on the minus strand). VCF-style: chrX-32389536-G-C. GRCh37 (hg19) VCF-style: chrX-32407653-G-C.
Other names: c.4459C>G, p.Gln1487Glu (NM_000109.4); c.4471C>G, p.Gln1491Glu (NM_004009.3); c.4114C>G, p.Gln1372Glu (NM_004010.3); c.460C>G, p.Gln154Glu (NM_004011.4); c.451C>G, p.Gln151Glu (NM_004012.4); short protein forms Q151E, Q1495E, Q154E, Q1487E, Q1491E, Q1372E.
Identifiers: ClinVar variation 1427027 (VCV001427027.13), dbSNP rs748769566, ClinGen allele CA327986534.
Genomic context (GRCh38, chrX:32,389,536, plus strand): 5'-CGTATTTGCCACCAGAAATACATACCACACAATGATTTAGCTGTGACTGTACTACTTCCT[G>C]TTCCACACTCTTTGTTTCCAATGCAGGCAAGTGCATCTTCACTTCATCTAAAATCATCTT-3'
Protein context (NP_003997.2, residues 1485-1505): LPALETKSVE[Gln1495Glu]EVVQSQLNHC